The following is an entry in ClinVar:

NM_182931.3(KMT2E):c.281C>G (p.Thr94Ser)

Gene: KMT2E (lysine methyltransferase 2E (inactive); plus strand). Cytogenetic location: 7q22.3.
Variant type: single nucleotide variant.
Coding change: c.281C>G on transcript NM_182931.3 (MANE Select); coding-DNA position 281, C replaced by G.
Protein change: p.Thr94Ser; replaces threonine 94 with serine.
Molecular consequence: missense variant.
Genome position (GRCh38, 1-based): chr7:105,063,445, C>G. VCF-style: chr7-105063445-C-G. GRCh37 (hg19) VCF-style: chr7-104703892-C-G.
Other names: c.281C>G, p.Thr94Ser (NM_001410908.1, NM_018682.4); short protein forms T94S.
Identifiers: ClinVar variation 1907674 (VCV001907674.5), dbSNP rs755868274, ClinGen allele CA368774542.

ClinVar aggregate classification (germline): Uncertain significance (1 of 4 stars; one submission).

Submission:

Labcorp Genetics (formerly Invitae), Labcorp
Classification: Uncertain significance. Last evaluated: 2022-07-26. Review status: criteria provided, single submitter. Criteria: Invitae Variant Classification Sherloc (09022015). Collection method: clinical testing. Allele origin: germline.
Comment: In summary, the available evidence is currently insufficient to determine the role of this variant in disease. Therefore, it has been classified as a Variant of Uncertain Significance. Algorithms developed to predict the effect of missense changes on protein structure and function (SIFT, PolyPhen-2, Align-GVGD) all suggest that this variant is likely to be tolerated. This variant has not been reported in the literature in individuals affected with KMT2E-related conditions. This variant is not present in population databases (gnomAD no frequency). This sequence change replaces threonine, which is neutral and polar, with serine, which is neutral and polar, at codon 94 of the KMT2E protein (p.Thr94Ser).